The following is an entry in ClinVar:

NM_000337.6(SGCD):c.155T>C (p.Met52Thr)

Gene: SGCD (sarcoglycan delta; plus strand). Cytogenetic location: 5q33.3.
Variant type: single nucleotide variant.
Coding change: c.155T>C on transcript NM_000337.6 (MANE Select); coding-DNA position 155, T replaced by C.
Protein change: p.Met52Thr; replaces methionine 52 with threonine.
Molecular consequence: missense variant.
Genome position (GRCh38, 1-based): chr5:156,344,640, T>C. VCF-style: chr5-156344640-T-C. GRCh37 (hg19) VCF-style: chr5-155771650-T-C.
Other names: c.152T>C, p.Met51Thr (NM_001128209.2); c.155T>C, p.Met52Thr (NM_172244.3); short protein forms M52T, M51T.
Identifiers: ClinVar variation 1418317 (VCV001418317.5), dbSNP rs2127716699, ClinGen allele CA362007807.
Genomic context (GRCh38, chr5:156,344,640, plus strand): 5'-AACGATGCCTGTATTTCTTTGTCCTGCTCCTCATGATTTTAATACTGGTGAACTTGGCCA[T>C]GACCATCTGGATTCTCAAAGTCATGAACTTCACAATTGTAAGTAAAACCATCTAGGTTTG-3'
Protein context (NP_000328.2, residues 42-62): LMILILVNLA[Met52Thr]TIWILKVMNF

ClinVar aggregate classification (germline): Uncertain significance (1 of 4 stars; one submission).

Conditions:
Autosomal recessive limb-girdle muscular dystrophy type 2F (LGMDR6). Also called: Muscular dystrophy limb-girdle with delta-sarcoglyan deficiency; MUSCULAR DYSTROPHY, LIMB-GIRDLE, AUTOSOMAL RECESSIVE 6. Identifiers: Orphanet 219, MedGen C1832525, MONDO:0011028, OMIM 601287. Disease mechanism: Affects gamma-sarcoglycan and also disrupts the integrity of the entire sarcoglycan complex..

Allele frequency attached by ClinVar (database versions not stated): gnomAD exomes below 0.00001.
gnomAD v4.1: 1 of 1,610,736 alleles (0.000062%); highest among the groups gnomAD compares: Non-Finnish European, 0.000085%; no homozygotes.

Submission:

Labcorp Genetics (formerly Invitae), Labcorp
Classification: Uncertain significance for Autosomal recessive limb-girdle muscular dystrophy type 2F. Last evaluated: 2024-10-18. Review status: criteria provided, single submitter. Criteria: Invitae Variant Classification Sherloc (09022015). Collection method: clinical testing. Allele origin: germline.
Comment: This sequence change replaces methionine, which is neutral and non-polar, with threonine, which is neutral and polar, at codon 52 of the SGCD protein (p.Met52Thr). This variant is not present in population databases (gnomAD no frequency). This variant has not been reported in the literature in individuals affected with SGCD-related conditions. ClinVar contains an entry for this variant (Variation ID: 1418317). Invitae Evidence Modeling of protein sequence and biophysical properties (such as structural, functional, and spatial information, amino acid conservation, physicochemical variation, residue mobility, and thermodynamic stability) indicates that this missense variant is not expected to disrupt SGCD protein function with a negative predictive value of 80%. In summary, the available evidence is currently insufficient to determine the role of this variant in disease. Therefore, it has been classified as a Variant of Uncertain Significance.